The following is an entry in ClinVar:

ClinVar aggregate classification (germline): Uncertain significance (1 of 4 stars; one submission).

Conditions:
Inborn genetic diseases. Identifiers: MedGen C0950123, MeSH D030342.

Submission:

Ambry Genetics
Classification: Uncertain significance for Inborn genetic diseases. Last evaluated: 2024-03-06. Review status: criteria provided, single submitter. Criteria: Ambry Variant Classification Scheme 2023. Collection method: clinical testing. Allele origin: germline.
Comment: The p.Q43R variant (also known as c.128A>G), located in coding exon 2 of the AKT1 gene, results from an A to G substitution at nucleotide position 128. The glutamine at codon 43 is replaced by arginine, an amino acid with highly similar properties. This amino acid position is conserved. In addition, this alteration is predicted to be tolerated by in silico analysis. Based on the available evidence, the clinical significance of this alteration remains unclear.

NM_001382430.1(AKT1):c.128A>G (p.Gln43Arg)

Gene: AKT1 (AKT serine/threonine kinase 1; minus strand). Cytogenetic location: 14q32.33.
Variant type: single nucleotide variant.
Coding change: c.128A>G on transcript NM_001382430.1 (MANE Select); coding-DNA position 128, A replaced by G.
Protein change: p.Gln43Arg; replaces glutamine 43 with arginine.
Molecular consequence: missense variant.
Genome position (GRCh38, 1-based): chr14:104,780,135, T>C on the plus strand (A>G on the coding strand, the complement: AKT1 is on the minus strand). VCF-style: chr14-104780135-T-C. GRCh37 (hg19) VCF-style: chr14-105246472-T-C.
Other names: c.128A>G, p.Gln43Arg (NM_001014431.2, NM_001014432.2, NM_001382431.1 and 3 more transcripts); short protein forms Q43R.
Identifiers: ClinVar variation 3224617 (VCV003224617.1), dbSNP rs2140949078, ClinGen allele CA391221548.